The following is an entry in ClinVar:

NM_032581.4(HYCC1):c.194G>A (p.Arg65His)

Gene: HYCC1 (hyccin PI4KA lipid kinase complex subunit 1; minus strand). Cytogenetic location: 7p15.3.
Variant type: single nucleotide variant.
Coding change: c.194G>A on transcript NM_032581.4 (MANE Select); coding-DNA position 194, G replaced by A.
Protein change: p.Arg65His; replaces arginine 65 with histidine.
Molecular consequence: missense variant.
Genome position (GRCh38, 1-based): chr7:22,978,408, C>T on the plus strand (G>A on the coding strand, the complement: HYCC1 is on the minus strand). VCF-style: chr7-22978408-C-T. GRCh37 (hg19) VCF-style: chr7-23018027-C-T.
Other names: c.194G>A, p.Arg65His (NM_001363466.2, NM_001363467.2); short protein forms R65H.
Identifiers: ClinVar variation 2026137 (VCV002026137.4), dbSNP rs1297442406, ClinGen allele CA366976907.

ClinVar aggregate classification (germline): Uncertain significance (1 of 4 stars; one submission).

Conditions:
Hypomyelination and Congenital Cataract (HLD5). Also called: hypomyelinating leukodystrophy 5. Identifiers: Orphanet 85163, MedGen C1864663, MONDO:0012514, OMIM 610532.

Allele frequency attached by ClinVar (database versions not stated): gnomAD exomes below 0.00001; gnomAD 0.00001.
gnomAD v4.1: 4 of 1,613,726 alleles (0.00025%); highest among the groups gnomAD compares: African/African-American, 0.0013%; no homozygotes.

Submission:

Labcorp Genetics (formerly Invitae), Labcorp
Classification: Uncertain significance for Hypomyelination and Congenital Cataract. Last evaluated: 2022-08-22. Review status: criteria provided, single submitter. Criteria: Invitae Variant Classification Sherloc (09022015). Collection method: clinical testing. Allele origin: germline.
Comment: This sequence change replaces arginine, which is basic and polar, with histidine, which is basic and polar, at codon 65 of the FAM126A protein (p.Arg65His). In summary, the available evidence is currently insufficient to determine the role of this variant in disease. Therefore, it has been classified as a Variant of Uncertain Significance. Algorithms developed to predict the effect of missense changes on protein structure and function are either unavailable or do not agree on the potential impact of this missense change (SIFT: "Tolerated"; PolyPhen-2: "Probably Damaging"; Align-GVGD: "Class C0"). This variant has not been reported in the literature in individuals affected with FAM126A-related conditions. This variant is present in population databases (no rsID available, gnomAD 0.0009%).